The following is an entry in ClinVar:

ClinVar aggregate classification (germline): Pathogenic (1 of 4 stars; one submission).

Submission:

Labcorp Genetics (formerly Invitae), Labcorp
Classification: Pathogenic. Last evaluated: 2025-02-19. Review status: criteria provided, single submitter. Criteria: Invitae Variant Classification Sherloc (09022015). Collection method: clinical testing. Allele origin: germline.
Comment: This sequence change creates a premature translational stop signal (p.Ala5120Glnfs*2) in the ADGRV1 gene. It is expected to result in an absent or disrupted protein product. Loss-of-function variants in ADGRV1 are known to be pathogenic (PMID: 19357117, 22135276, 22147658, 26226137, 30718709, 31047384, 32467589). This variant is not present in population databases (gnomAD no frequency). This variant has not been reported in the literature in individuals affected with ADGRV1-related conditions. ClinVar contains an entry for this variant (Variation ID: 1963495). For these reasons, this variant has been classified as Pathogenic.

Literature cited by the submitters: PubMed 19357117; PubMed 22135276; PubMed 22147658; PubMed 26226137; PubMed 30718709; PubMed 31047384; PubMed 32467589.

NM_032119.4(ADGRV1):c.15357del (p.Ala5120fs)

Gene: ADGRV1 (adhesion G protein-coupled receptor V1; plus strand). Cytogenetic location: 5q14.3.
Variant type: Deletion.
Coding change: c.15357del on transcript NM_032119.4 (MANE Select); coding-DNA position 15357, one base deleted (T; older notation c.15357delT).
Protein change: p.Ala5120fs; shifts the reading frame from alanine 5120.
Molecular consequence: frameshift variant. On other transcripts: non-coding transcript variant (1).
Genome position (GRCh38, 1-based): chr5:90,810,617, T deleted; the last of 2 consecutive T bases (chr5:90,810,616-90,810,617); deleting either gives the same sequence. VCF-style (leftmost placement, unchanged base first): chr5-90810615-GT-G. GRCh37 (hg19) VCF-style: chr5-90106432-GT-G.
Other names: short protein forms A5120fs.
Identifiers: ClinVar variation 1963495 (VCV001963495.5), dbSNP rs1762350550, ClinGen allele CA1562911459.